The following is an entry in ClinVar:

NM_001145418.2(TTC28):c.4255C>T (p.Arg1419Trp)

Genes: TTC28-AS1 (TTC28 antisense RNA 1; plus strand), TTC28 (tetratricopeptide repeat domain 28; minus strand). Cytogenetic location: 22q12.1.
Variant type: single nucleotide variant.
Coding change: c.4255C>T on transcript NM_001145418.2 (MANE Select); coding-DNA position 4255, C replaced by T.
Protein change: p.Arg1419Trp; replaces arginine 1419 with tryptophan.
Molecular consequence: missense variant. On other transcripts: non-coding transcript variant (1).
Genome position (GRCh38, 1-based): chr22:28,001,517, G>A on the plus strand (C>T on the coding strand, the complement: TTC28 is on the minus strand). VCF-style: chr22-28001517-G-A. GRCh37 (hg19) VCF-style: chr22-28397505-G-A.
Other names: c.4255C>T, p.Arg1419Trp (NM_001393403.1); c.3901C>T, p.Arg1301Trp (NM_001393404.1, NM_001393405.1); short protein forms R1419W, R1301W.
Identifiers: ClinVar variation 718658 (VCV000718658.7), dbSNP rs61744141, ClinGen allele CA10167247.

ClinVar aggregate classification (germline): Conflicting classifications of pathogenicity. Review status: criteria provided, conflicting classifications (1 of 4 stars). 4 submissions from 4 submitters: Uncertain significance (1); Benign (2). 1 of the submissions does not count toward it. Last evaluated 2025-08-27.

Conditions:
TTC28-related disorder. Also called: TTC28-related condition.

Allele frequency attached by ClinVar (database versions not stated): gnomAD exomes 0.00073; ExAC 0.00098; ESP Exome Variant Server 0.00131; gnomAD 0.00194 and 0.00205; TOPMed 0.00243; 1000 Genomes Project 0.00280; 1000 Genomes Project 30x 0.00312.
gnomAD v4.1: 723 of 1,551,362 alleles (0.047%); highest among the groups gnomAD compares: African/African-American, 0.59%; no homozygotes.

Submissions (4):

Ambry Genetics
Classification: Uncertain significance. Last evaluated: 2025-08-27. Review status: criteria provided, single submitter. Criteria: Ambry Variant Classification Scheme 2023. Collection method: clinical testing. Allele origin: germline.

Labcorp Genetics (formerly Invitae), Labcorp
Classification: Benign. Last evaluated: 2018-07-13. Review status: criteria provided, single submitter. Criteria: Invitae Variant Classification Sherloc (09022015). Collection method: clinical testing. Allele origin: germline.

Breakthrough Genomics
Classification: Benign. Review status: criteria provided, single submitter. Criteria: ACMG Guidelines, 2015. Collection method: not provided. Allele origin: germline. Inheritance: Unknown mechanism. Affected: yes.

PreventionGenetics, part of Exact Sciences
Classification: Likely benign for TTC28-related condition. Last evaluated: 2021-04-10. Review status: no assertion criteria provided. Collection method: clinical testing. Allele origin: germline. Not counted in ClinVar's aggregate classification.
Comment: This variant is classified as likely benign based on ACMG/AMP sequence variant interpretation guidelines (Richards et al. 2015 PMID: 25741868, with internal and published modifications).